The following is an entry in ClinVar:

NM_002335.4(LRP5):c.4423C>T (p.Arg1475Trp)

Gene: LRP5 (LDL receptor related protein 5; plus strand). Cytogenetic location: 11q13.2.
Variant type: single nucleotide variant.
Coding change: c.4423C>T on transcript NM_002335.4 (MANE Select); coding-DNA position 4423, C replaced by T.
Protein change: p.Arg1475Trp; replaces arginine 1475 with tryptophan.
Molecular consequence: missense variant.
Genome position (GRCh38, 1-based): chr11:68,439,851, C>T. VCF-style: chr11-68439851-C-T. GRCh37 (hg19) VCF-style: chr11-68207319-C-T.
Other names: c.2680C>T, p.Arg894Trp (NM_001291902.2); short protein forms R894W, R1475W.
Identifiers: ClinVar variation 2049901 (VCV002049901.5), dbSNP rs767384132, ClinGen allele CA6150355.

ClinVar aggregate classification (germline): Uncertain significance. Review status: criteria provided, multiple submitters, no conflicts (2 of 4 stars). 2 submissions from 2 submitters: Uncertain significance (2). Last evaluated 2025-01-01.

Conditions:
Worth disease. Also called: ENDOSTEAL HYPEROSTOSIS, AUTOSOMAL DOMINANT; OSTEOSCLEROSIS, AUTOSOMAL DOMINANT; Autosomal dominant osteosclerosis, Worth type. Identifiers: Orphanet 2790, MedGen C0432273, MONDO:0007764, OMIM 144750.
Bone mineral density quantitative trait locus 1 (BMND1). Identifiers: MedGen C1866079, OMIM 601884.
Autosomal dominant osteopetrosis 1 (OPTA1). Also called: OSTEOPETROSIS, AUTOSOMAL DOMINANT, TYPE I. Identifiers: Orphanet 2783, MedGen C1843330, MONDO:0011877, OMIM 607634.
Osteoporosis with pseudoglioma (OPPG). Also called: osteoporosis-pseudoglioma syndrome. Identifiers: Orphanet 2788, MedGen C0432252, MONDO:0009820, OMIM 259770.
Exudative vitreoretinopathy 4 (EVR4). Identifiers: Orphanet 891, MedGen C1866176, MONDO:0011151, OMIM 601813.
Polycystic liver disease 4 with or without kidney cysts. Identifiers: MedGen C4693479, MONDO:0044327, OMIM 617875.

Allele frequency attached by ClinVar (database versions not stated): gnomAD 0.00003; TOPMed 0.00003.
gnomAD v4.1: 61 of 1,608,272 alleles (0.0038%); highest among the groups gnomAD compares: Admixed American, 0.005%; no homozygotes.

Submissions (2):

Labcorp Genetics (formerly Invitae), Labcorp
Classification: Uncertain significance. Last evaluated: 2025-01-01. Review status: criteria provided, single submitter. Criteria: Invitae Variant Classification Sherloc (09022015). Collection method: clinical testing. Allele origin: germline.
Comment: This sequence change replaces arginine, which is basic and polar, with tryptophan, which is neutral and slightly polar, at codon 1475 of the LRP5 protein (p.Arg1475Trp). This variant is present in population databases (rs767384132, gnomAD 0.004%). This missense change has been observed in individual(s) with craniosynostosis (PMID: 29168297). ClinVar contains an entry for this variant (Variation ID: 2049901). Invitae Evidence Modeling of protein sequence and biophysical properties (such as structural, functional, and spatial information, amino acid conservation, physicochemical variation, residue mobility, and thermodynamic stability) has been performed for this missense variant. However, the output from this modeling did not meet the statistical confidence thresholds required to predict the impact of this variant on LRP5 protein function. In summary, the available evidence is currently insufficient to determine the role of this variant in disease. Therefore, it has been classified as a Variant of Uncertain Significance.

Fulgent Genetics
Classification: Uncertain significance for Worth disease; Osteoporosis with pseudoglioma; Exudative vitreoretinopathy 4; Bone mineral density quantitative trait locus 1; Autosomal dominant osteopetrosis 1; Polycystic liver disease 4 with or without kidney cysts. Last evaluated: 2024-03-28. Review status: criteria provided, single submitter. Criteria: ACMG Guidelines, 2015. Collection method: clinical testing. Allele origin: germline.

Literature cited by the submitters: PubMed 29168297 (cited by Labcorp Genetics (formerly Invitae), Labcorp).